The following is an entry in ClinVar:

ClinVar aggregate classification (germline): Likely benign. Review status: criteria provided, multiple submitters, no conflicts (2 of 4 stars). 2 submissions from 2 submitters: Likely benign (2). Last evaluated 2018-06-16.

Allele frequency attached by ClinVar (database versions not stated): 1000 Genomes Project 30x 0.00859; 1000 Genomes Project 0.00919; TOPMed 0.01831; gnomAD 0.01851 and 0.01898; gnomAD exomes 0.02382.
gnomAD v4.1: 18,235 of 800,806 alleles (2.3%); highest among the groups gnomAD compares: Non-Finnish European, 3%; 308 homozygotes.

Submissions (2):

GeneDx
Classification: Likely benign. Last evaluated: 2018-06-16. Review status: criteria provided, single submitter. Criteria: GeneDx Variant Classification (06012015). Collection method: clinical testing. Allele origin: germline. Affected: yes.
Comment: This variant is considered likely benign or benign based on one or more of the following criteria: it is a conservative change, it occurs at a poorly conserved position in the protein, it is predicted to be benign by multiple in silico algorithms, and/or has population frequency not consistent with disease.

Breakthrough Genomics
Classification: Likely benign. Review status: criteria provided, single submitter. Criteria: ACMG Guidelines, 2015. Collection method: not provided. Allele origin: germline. Inheritance: Autosomal dominant inheritance. Affected: yes.

NM_172107.4(KCNQ2):c.1526-107C>T

Gene: KCNQ2 (potassium voltage-gated channel subfamily Q member 2; minus strand). Cytogenetic location: 20q13.33.
Variant type: single nucleotide variant.
Coding change: c.1526-107C>T on transcript NM_172107.4 (MANE Select); 107 bases into the intron before coding-DNA position 1526, C replaced by T.
Molecular consequence: intron variant.
Genome position (GRCh38, 1-based): chr20:63,414,300, G>A on the plus strand (C>T on the coding strand, the complement: KCNQ2 is on the minus strand). VCF-style: chr20-63414300-G-A. GRCh37 (hg19) VCF-style: chr20-62045653-G-A.
Other names: c.1442-107C>T (NM_004518.6); c.1436-110C>T (NM_172108.5); c.1472-107C>T (NM_172106.3).
Identifiers: ClinVar variation 675208 (VCV000675208.2), dbSNP rs76685684, ClinGen allele CA317430159.